The following is an entry in ClinVar:

ClinVar aggregate classification (germline): Uncertain significance (1 of 4 stars; one submission).

Conditions:
Mowat-Wilson syndrome (MOWS). Also called: Classic Mowat-Wilson Syndrome. Identifiers: Orphanet 2152, MedGen C1856113, MONDO:0009341, OMIM 235730.

Allele frequency attached by ClinVar (database versions not stated): gnomAD exomes 0.00001.
gnomAD v4.1: 10 of 1,614,038 alleles (0.00062%); highest among the groups gnomAD compares: South Asian, 0.011%; 1 homozygote.

Submission:

Labcorp Genetics (formerly Invitae), Labcorp
Classification: Uncertain significance for Mowat-Wilson syndrome. Last evaluated: 2024-07-09. Review status: criteria provided, single submitter. Criteria: Invitae Variant Classification Sherloc (09022015). Collection method: clinical testing. Allele origin: germline.
Comment: This sequence change replaces threonine, which is neutral and polar, with alanine, which is neutral and non-polar, at codon 141 of the ZEB2 protein (p.Thr141Ala). This variant is not present in population databases (gnomAD no frequency). This variant has not been reported in the literature in individuals affected with ZEB2-related conditions. Advanced modeling of protein sequence and biophysical properties (such as structural, functional, and spatial information, amino acid conservation, physicochemical variation, residue mobility, and thermodynamic stability) performed at Invitae indicates that this missense variant is not expected to disrupt ZEB2 protein function with a negative predictive value of 80%. In summary, the available evidence is currently insufficient to determine the role of this variant in disease. Therefore, it has been classified as a Variant of Uncertain Significance.

NM_014795.4(ZEB2):c.421A>G (p.Thr141Ala)

Gene: ZEB2 (zinc finger E-box binding homeobox 2; minus strand). Cytogenetic location: 2q22.3.
Variant type: single nucleotide variant.
Coding change: c.421A>G on transcript NM_014795.4 (MANE Select); coding-DNA position 421, A replaced by G.
Protein change: p.Thr141Ala; replaces threonine 141 with alanine.
Molecular consequence: missense variant.
Genome position (GRCh38, 1-based): chr2:144,405,007, T>C on the plus strand (A>G on the coding strand, the complement: ZEB2 is on the minus strand). VCF-style: chr2-144405007-T-C. GRCh37 (hg19) VCF-style: chr2-145162574-T-C.
Other names: c.349A>G, p.Thr117Ala (NM_001171653.2); short protein forms T141A, T117A.
Identifiers: ClinVar variation 2990945 (VCV002990945.3), dbSNP rs1239830907, ClinGen allele CA348715585.